The following is an entry in ClinVar:

ClinVar aggregate classification (germline): Conflicting classifications of pathogenicity. Review status: criteria provided, conflicting classifications (1 of 4 stars). 4 submissions from 4 submitters: Uncertain significance (2); Likely benign (2). Last evaluated 2026-06-17.

Conditions:
DNMT1-related disorder. Also called: DNMT1-related condition. Identifiers: MedGen CN381527.
Inborn genetic diseases. Identifiers: MedGen C0950123, MeSH D030342.
Hereditary sensory neuropathy-deafness-dementia syndrome. Also called: NEUROPATHY, HEREDITARY SENSORY, WITH HEARING LOSS AND DEMENTIA; HSN IE; Hereditary sensory neuropathy type IE; Hereditary Sensory and Autonomic Neuropathy Type 1E (HSAN1E). Identifiers: Orphanet 456318, MedGen C3279885, MONDO:0013584, OMIM 614116.

Allele frequency attached by ClinVar (database versions not stated): gnomAD exomes 0.00002 and 0.00004; ExAC 0.00005; gnomAD 0.00005 and 0.00006; TOPMed 0.00006; ESP Exome Variant Server 0.00031.
gnomAD v4.1: 29 of 1,611,134 alleles (0.0018%); highest among the groups gnomAD compares: African/African-American, 0.017%; no homozygotes.

Submissions (4):

PreventionGenetics, part of Exact Sciences
Classification: Uncertain significance for DNMT1-related condition. Last evaluated: 2026-06-17. Review status: criteria provided, single submitter. Criteria: ACMG Guidelines, 2015. Collection method: clinical testing. Allele origin: germline.
Comment: The DNMT1 c.4444C>T variant is predicted to result in the amino acid substitution p.Arg1482Cys. To our knowledge, this variant has not been reported in the literature. This variant is reported in 0.025% of alleles in individuals of African descent in gnomAD. Although we suspect that this variant may be benign, at this time, the clinical significance of this variant is uncertain due to the absence of conclusive functional and genetic evidence.

Labcorp Genetics (formerly Invitae), Labcorp
Classification: Likely benign for Hereditary sensory neuropathy-deafness-dementia syndrome. Last evaluated: 2026-01-15. Review status: criteria provided, single submitter. Criteria: Invitae Variant Classification Sherloc (09022015). Collection method: clinical testing. Allele origin: germline.

GeneDx
Classification: Uncertain significance. Last evaluated: 2024-04-11. Review status: criteria provided, single submitter. Criteria: GeneDx Variant Classification Process June 2021. Collection method: clinical testing. Allele origin: germline. Affected: yes.
Comment: In silico analysis supports that this missense variant has a deleterious effect on protein structure/function; Has not been previously published as pathogenic or benign to our knowledge

Ambry Genetics
Classification: Likely benign for Inborn genetic diseases. Last evaluated: 2023-05-30. Review status: criteria provided, single submitter. Criteria: Ambry Variant Classification Scheme 2023. Collection method: clinical testing. Allele origin: germline.

NM_001130823.3(DNMT1):c.4444C>T (p.Arg1482Cys)

Gene: DNMT1 (DNA methyltransferase 1; minus strand). Cytogenetic location: 19p13.2.
Variant type: single nucleotide variant.
Coding change: c.4444C>T on transcript NM_001130823.3 (MANE Select); coding-DNA position 4444, C replaced by T.
Protein change: p.Arg1482Cys; replaces arginine 1482 with cysteine.
Molecular consequence: missense variant.
Genome position (GRCh38, 1-based): chr19:10,137,130, G>A on the plus strand (C>T on the coding strand, the complement: DNMT1 is on the minus strand). VCF-style: chr19-10137130-G-A. GRCh37 (hg19) VCF-style: chr19-10247806-G-A.
Other names: c.4444C>T (LRG_362t1, NM_001130823.2); c.4396C>T, p.Arg1466Cys (NM_001318730.2, NM_001379.4); c.4081C>T, p.Arg1361Cys (NM_001318731.2); c.4396C>T (NM_001379.2); short protein forms R1482C, R1466C, R1361C.
Identifiers: ClinVar variation 451221 (VCV000451221.11), dbSNP rs147984942, ClinGen allele CA9187514.